The following is an entry in ClinVar:

NM_033026.6(PCLO):c.2343dup (p.Lys782fs)

Gene: PCLO (piccolo presynaptic cytomatrix protein; minus strand). Cytogenetic location: 7q21.11.
Variant type: Duplication.
Coding change: c.2343dup on transcript NM_033026.6 (MANE Select); coding-DNA position 2343, one base duplicated (C; older notation c.2343dupC).
Protein change: p.Lys782fs; shifts the reading frame from lysine 782.
Molecular consequence: frameshift variant.
Genome position (GRCh38, 1-based): chr7:83,135,207, G duplicated on the plus strand (C on the coding strand, the reverse complement: PCLO is on the minus strand); the first of 2 consecutive G bases (chr7:83,135,207-83,135,208); duplicating either gives the same sequence. VCF-style (leftmost placement, unchanged base first): chr7-83135206-T-TG. GRCh37 (hg19) VCF-style: chr7-82764522-T-TG.
Other names: c.2343dup, p.Lys782fs (NM_014510.3); short protein forms K782fs.
Identifiers: ClinVar variation 3670459 (VCV003670459.2).
Genomic context (GRCh38, chr7:83,135,206, plus strand): 5'-GTTTGGCAGAGTCTGTTTTTAGAGGAGGGGTTGTTTTCTCTTCAGCTTGTGACTGTACTT[T>TG]GGAGCTTGGAATATCAGGTTTTGTTGTTGCTGATGATGAAGATACAAGGTCAGTGGTTGG-3'

ClinVar aggregate classification (germline): Pathogenic (1 of 4 stars; one submission).

Submission:

Labcorp Genetics (formerly Invitae), Labcorp
Classification: Pathogenic. Last evaluated: 2024-05-16. Review status: criteria provided, single submitter. Criteria: Invitae Variant Classification Sherloc (09022015). Collection method: clinical testing. Allele origin: germline.
Comment: This sequence change creates a premature translational stop signal (p.Lys782Glnfs*7) in the PCLO gene. It is expected to result in an absent or disrupted protein product. Loss-of-function variants in PCLO are known to be pathogenic (PMID: 25832664, 30287594). This variant is not present in population databases (gnomAD no frequency). This variant has not been reported in the literature in individuals affected with PCLO-related conditions. For these reasons, this variant has been classified as Pathogenic.

Literature cited by the submitters: PubMed 25832664; PubMed 30287594.